The following is an entry in ClinVar:

NM_003105.6(SORL1):c.14G>A (p.Ser5Asn)

Genes: SORL1 (sortilin related receptor 1; plus strand), SORL1-AS1 (SORL1 antisense RNA 1; minus strand). Cytogenetic location: 11q24.1.
Variant type: single nucleotide variant.
Coding change: c.14G>A on transcript NM_003105.6 (MANE Select); coding-DNA position 14, G replaced by A.
Protein change: p.Ser5Asn; replaces serine 5 with asparagine.
Molecular consequence: missense variant.
Genome position (GRCh38, 1-based): chr11:121,452,345, G>A. VCF-style: chr11-121452345-G-A. GRCh37 (hg19) VCF-style: chr11-121323054-G-A.
Other names: short protein forms S5N.
Identifiers: ClinVar variation 4797991 (VCV004797991.1).

ClinVar aggregate classification (germline): Uncertain significance (1 of 4 stars; one submission).

gnomAD v4.1: 11 of 1,552,000 alleles (0.00071%); highest among the groups gnomAD compares: Admixed American, 0.021%; no homozygotes.

Submission:

Labcorp Genetics (formerly Invitae), Labcorp
Classification: Uncertain significance. Last evaluated: 2025-04-11. Review status: criteria provided, single submitter. Criteria: Invitae Variant Classification Sherloc (09022015). Collection method: clinical testing. Allele origin: germline.
Comment: This sequence change replaces serine, which is neutral and polar, with asparagine, which is neutral and polar, at codon 5 of the SORL1 protein (p.Ser5Asn). The frequency data for this variant in the population databases is considered unreliable, as metrics indicate poor data quality at this position in the gnomAD database. This variant has not been reported in the literature in individuals affected with SORL1-related conditions. An algorithm developed to predict the effect of missense changes on protein structure and function (PolyPhen-2) suggests that this variant is likely to be disruptive. In summary, the available evidence is currently insufficient to determine the role of this variant in disease. Therefore, it has been classified as a Variant of Uncertain Significance.